The following is an entry in ClinVar:

ClinVar aggregate classification (germline): Uncertain significance (1 of 4 stars; one submission).

Conditions:
Combined immunodeficiency due to LRBA deficiency. Also called: Common variable immunodeficiency 8, with autoimmunity. Identifiers: Orphanet 445018, MedGen C3553512, MONDO:0013863, OMIM 614700.

Allele frequency attached by ClinVar (database versions not stated): gnomAD exomes below 0.00001; gnomAD 0.00001.
gnomAD v4.1: 8 of 1,613,314 alleles (0.0005%); highest among the groups gnomAD compares: South Asian, 0.0066%; no homozygotes.

Submission:

Labcorp Genetics (formerly Invitae), Labcorp
Classification: Uncertain significance for Combined immunodeficiency due to LRBA deficiency. Last evaluated: 2023-12-11. Review status: criteria provided, single submitter. Criteria: Invitae Variant Classification Sherloc (09022015). Collection method: clinical testing. Allele origin: germline.
Comment: This sequence change replaces isoleucine, which is neutral and non-polar, with valine, which is neutral and non-polar, at codon 1352 of the LRBA protein (p.Ile1352Val). This variant is not present in population databases (gnomAD no frequency). This variant has not been reported in the literature in individuals affected with LRBA-related conditions. ClinVar contains an entry for this variant (Variation ID: 2027184). Advanced modeling of protein sequence and biophysical properties (such as structural, functional, and spatial information, amino acid conservation, physicochemical variation, residue mobility, and thermodynamic stability) performed at Invitae indicates that this missense variant is not expected to disrupt LRBA protein function with a negative predictive value of 80%. In summary, the available evidence is currently insufficient to determine the role of this variant in disease. Therefore, it has been classified as a Variant of Uncertain Significance.

NM_001364905.1(LRBA):c.4054A>G (p.Ile1352Val)

Gene: LRBA (LPS responsive beige-like anchor protein; minus strand). Cytogenetic location: 4q31.3.
Variant type: single nucleotide variant.
Coding change: c.4054A>G on transcript NM_001364905.1 (MANE Select); coding-DNA position 4054, A replaced by G.
Protein change: p.Ile1352Val; replaces isoleucine 1352 with valine.
Molecular consequence: missense variant.
Genome position (GRCh38, 1-based): chr4:150,849,526, T>C on the plus strand (A>G on the coding strand, the complement: LRBA is on the minus strand). VCF-style: chr4-150849526-T-C. GRCh37 (hg19) VCF-style: chr4-151770678-T-C.
Other names: c.4054A>G, p.Ile1352Val (NM_001199282.3, NM_001367550.1, NM_006726.5); short protein forms I1352V.
Identifiers: ClinVar variation 2027184 (VCV002027184.4), dbSNP rs1750340308, ClinGen allele CA358454175.